The following is an entry in ClinVar:

ClinVar aggregate classification (germline): Uncertain significance (1 of 4 stars; one submission).

Submission:

GeneDx
Classification: Uncertain significance. Last evaluated: 2024-07-24. Review status: criteria provided, single submitter. Criteria: GeneDx Variant Classification Process June 2021. Collection method: clinical testing. Allele origin: germline. Affected: yes.
Comment: In-frame deletion of 1 amino acid in a non-repeat region; Not observed at significant frequency in large population cohorts (gnomAD); In silico analysis supports a deleterious effect on protein structure/function; Has not been previously published as pathogenic or benign to our knowledge

NM_001903.5(CTNNA1):c.1935AGA[1] (p.Glu646del)

Gene: CTNNA1 (catenin alpha 1; plus strand). Cytogenetic location: 5q31.2.
Variant type: Microsatellite.
Coding change: c.1935AGA[1] on transcript NM_001903.5 (MANE Select); one copy of the 3-base unit AGA starting at c.1935; the reference has two copies in a row; one copy, 3 bases deleted.
Protein change: p.Glu646del; deletes glutamic acid 646.
Genome position (GRCh38, 1-based): chr5:138,929,284-138,929,286, AGA deleted; deleting any 3 consecutive bases within chr5:138,929,281-138,929,286 gives the same sequence; the position shown is the placement nearest the transcript's 3' end. VCF-style (leftmost placement, unchanged base first): chr5-138929280-CAGA-C. GRCh37 (hg19) VCF-style: chr5-138264969-CAGA-C.
Other names: c.1935AGA[1], p.Glu646del (NM_001290307.3, NM_001323982.2, NM_001323983.1 and 2 more transcripts); c.1626AGA[1], p.Glu543del (NM_001290309.3); c.1566AGA[1], p.Glu523del (NM_001290310.3); c.825AGA[1], p.Glu276del (NM_001290312.1, NM_001323987.1, NM_001323988.1 and 17 more transcripts); c.1842AGA[1], p.Glu615del (NM_001323986.2); c.486AGA[1], p.Glu163del (NM_001324006.1, NM_001324007.1, NM_001324008.1 and 2 more transcripts); c.732AGA[1], p.Glu245del (NM_001324011.1); c.582AGA[1], p.Glu195del (NM_001324012.1, NM_001324013.1); short protein forms E163del, E195del, E245del, E276del, E523del, E543del, E615del, E646del.
Identifiers: ClinVar variation 3600917 (VCV003600917.1).